The following is an entry in ClinVar:

NM_001903.5(CTNNA1):c.1670C>T (p.Thr557Ile)

Gene: CTNNA1 (catenin alpha 1; plus strand). Cytogenetic location: 5q31.2.
Variant type: single nucleotide variant.
Coding change: c.1670C>T on transcript NM_001903.5 (MANE Select); coding-DNA position 1670, C replaced by T.
Protein change: p.Thr557Ile; replaces threonine 557 with isoleucine.
Molecular consequence: missense variant.
Genome position (GRCh38, 1-based): chr5:138,924,633, C>T. VCF-style: chr5-138924633-C-T. GRCh37 (hg19) VCF-style: chr5-138260322-C-T.
Other names: c.1670C>T, p.Thr557Ile (NM_001290307.3, NM_001323982.2, NM_001323983.1 and 2 more transcripts); c.1361C>T, p.Thr454Ile (NM_001290309.3); c.1301C>T, p.Thr434Ile (NM_001290310.3); c.560C>T, p.Thr187Ile (NM_001290312.1, NM_001323987.1, NM_001323988.1 and 17 more transcripts); c.1577C>T, p.Thr526Ile (NM_001323986.2); c.221C>T, p.Thr74Ile (NM_001324006.1, NM_001324007.1, NM_001324008.1 and 2 more transcripts); c.467C>T, p.Thr156Ile (NM_001324011.1); c.317C>T, p.Thr106Ile (NM_001324012.1, NM_001324013.1); short protein forms T434I, T526I, T557I, T106I, T187I, T454I, T74I, T156I.
Identifiers: ClinVar variation 638872 (VCV000638872.11), dbSNP rs1580855501, ClinGen allele CA361131937.

ClinVar aggregate classification (germline): Uncertain significance. Review status: criteria provided, multiple submitters, no conflicts (2 of 4 stars). 2 submissions from 2 submitters: Uncertain significance (2). Last evaluated 2025-11-15.

Conditions:
Hereditary cancer-predisposing syndrome. Also called: Neoplastic Syndromes, Hereditary; Tumor predisposition; Hereditary Cancer Syndrome; Hereditary neoplastic syndrome. Identifiers: Orphanet 140162, MedGen C0027672, MeSH D009386, MONDO:0015356.

gnomAD v4.1: 1 of 1,612,962 alleles (0.000062%); highest among the groups gnomAD compares: Middle Eastern, 0.017%; no homozygotes.

Submissions (2):

Labcorp Genetics (formerly Invitae), Labcorp
Classification: Uncertain significance. Last evaluated: 2025-11-15. Review status: criteria provided, single submitter. Criteria: Invitae Variant Classification Sherloc (09022015). Collection method: clinical testing. Allele origin: germline.
Comment: This sequence change replaces threonine, which is neutral and polar, with isoleucine, which is neutral and non-polar, at codon 557 of the CTNNA1 protein (p.Thr557Ile). This variant is not present in population databases (gnomAD no frequency). This variant has not been reported in the literature in individuals affected with CTNNA1-related conditions. ClinVar contains an entry for this variant (Variation ID: 638872). Invitae Evidence Modeling of protein sequence and biophysical properties (such as structural, functional, and spatial information, amino acid conservation, physicochemical variation, residue mobility, and thermodynamic stability) indicates that this missense variant is not expected to disrupt CTNNA1 protein function with a negative predictive value of 80%. In summary, the available evidence is currently insufficient to determine the role of this variant in disease. Therefore, it has been classified as a Variant of Uncertain Significance.

Ambry Genetics
Classification: Uncertain significance for Hereditary cancer-predisposing syndrome. Last evaluated: 2022-11-07. Review status: criteria provided, single submitter. Criteria: Ambry Variant Classification Scheme 2023. Collection method: clinical testing. Allele origin: germline.
Comment: The p.T557I variant (also known as c.1670C>T), located in coding exon 11 of the CTNNA1 gene, results from a C to T substitution at nucleotide position 1670. The threonine at codon 557 is replaced by isoleucine, an amino acid with similar properties. This amino acid position is well conserved in available vertebrate species. In addition, the in silico prediction for this alteration is inconclusive. Since supporting evidence is limited at this time, the clinical significance of this alteration remains unclear.